The following is an entry in ClinVar:

NM_024753.5(TTC21B):c.2608A>G (p.Met870Val)

Gene: TTC21B (tetratricopeptide repeat domain 21B; minus strand). Cytogenetic location: 2q24.3.
Variant type: single nucleotide variant.
Coding change: c.2608A>G on transcript NM_024753.5 (MANE Select); coding-DNA position 2608, A replaced by G.
Protein change: p.Met870Val; replaces methionine 870 with valine.
Molecular consequence: missense variant.
Genome position (GRCh38, 1-based): chr2:165,901,871, T>C on the plus strand (A>G on the coding strand, the complement: TTC21B is on the minus strand). VCF-style: chr2-165901871-T-C. GRCh37 (hg19) VCF-style: chr2-166758381-T-C.
Other names: short protein forms M870V.
Identifiers: ClinVar variation 5002598 (VCV005002598.1).

ClinVar aggregate classification (germline): Uncertain significance (1 of 4 stars; one submission).

Conditions:
TTC21B-related disorder. Also called: TTC21B-related disorders; TTC21B-related condition.

gnomAD v4.1: 1 of 1,613,790 alleles (0.000062%); highest among the groups gnomAD compares: African/African-American, 0.0013%; no homozygotes.

Submission:

PreventionGenetics, part of Exact Sciences
Classification: Uncertain significance for TTC21B-related condition. Last evaluated: 2025-07-28. Review status: criteria provided, single submitter. Criteria: ACMG Guidelines, 2015. Collection method: clinical testing. Allele origin: germline.
Comment: The TTC21B c.2608A>G variant is predicted to result in the amino acid substitution p.Met870Val. To our knowledge, this variant has not been reported in the literature or in a large population database (gnomAD), indicating this variant is rare. At this time, the clinical significance of this variant is uncertain due to the absence of conclusive functional and genetic evidence.